The following is an entry in ClinVar:

ClinVar aggregate classification (germline): Uncertain significance (1 of 4 stars; one submission).

Submission:

GeneDx
Classification: Uncertain significance. Last evaluated: 2023-12-11. Review status: criteria provided, single submitter. Criteria: GeneDx Variant Classification Process June 2021. Collection method: clinical testing. Allele origin: germline. Affected: yes.
Comment: Not observed at significant frequency in large population cohorts (gnomAD); In silico analysis supports that this missense variant has a deleterious effect on protein structure/function; Has not been previously published as pathogenic or benign to our knowledge

NM_001458.5(FLNC):c.4157C>T (p.Ala1386Val)

Gene: FLNC (filamin C; plus strand). Cytogenetic location: 7q32.1.
Variant type: single nucleotide variant.
Coding change: c.4157C>T on transcript NM_001458.5 (MANE Select); coding-DNA position 4157, C replaced by T.
Protein change: p.Ala1386Val; replaces alanine 1386 with valine.
Molecular consequence: missense variant.
Genome position (GRCh38, 1-based): chr7:128,846,774, C>T. VCF-style: chr7-128846774-C-T. GRCh37 (hg19) VCF-style: chr7-128486828-C-T.
Other names: c.4157C>T, p.Ala1386Val (NM_001127487.2); short protein forms A1386V.
Identifiers: ClinVar variation 3365307 (VCV003365307.1).